The following is an entry in ClinVar:

ClinVar aggregate classification (germline): Conflicting classifications of pathogenicity. Review status: criteria provided, conflicting classifications (1 of 4 stars). 5 submissions from 5 submitters: Uncertain significance (1); Benign (2); Likely benign (1). 1 of the submissions does not count toward it. Last evaluated 2026-08-06.

Conditions:
TBK1-related disorder. Also called: TBK1-related condition.
Frontotemporal dementia and/or amyotrophic lateral sclerosis 4. Also called: FTDALS4. Identifiers: Orphanet 275872, MedGen C4225325, MONDO:0014641, OMIM 616439.
Encephalopathy, acute, infection-induced (herpes-specific), susceptibility to, 8. Also called: HERPES SIMPLEX ENCEPHALITIS, SUSCEPTIBILITY TO, 6. Identifiers: MedGen C4693542, MONDO:0054754, OMIM 617900.
Autoinflammation with arthritis and vasculitis. Identifiers: MedGen C5935634, MONDO:0971173, OMIM 620880.

Submissions (5):

OLLIN Analises Genomicas, OLLIN
Classification: Uncertain significance for Encephalopathy, acute, infection-induced (herpes-specific), susceptibility to, 8. Last evaluated: 2026-08-06. Review status: criteria provided, single submitter. Criteria: ACMG Guidelines 2015 PMID 25741868. Collection method: clinical testing. Allele origin: germline. Inheritance: Autosomal recessive inheritance.
Comment: This in-frame deletion, located in exon 18 (of 21), has been reported in ClinVar (accession VCV000702184.15) and in gnomAD with an allele frequency of 0.025%. However, to our knowledge, it has not been reported in the scientific literature. This variant removes 1 amino acid, preserving the reading frame and leading to a reduced protein length. According to the currently available evidence, this variant has been classified as uncertain significance (PM4, BS1).

Labcorp Genetics (formerly Invitae), Labcorp
Classification: Benign for Frontotemporal dementia and/or amyotrophic lateral sclerosis 4. Last evaluated: 2025-12-08. Review status: criteria provided, single submitter. Criteria: Invitae Variant Classification Sherloc (09022015). Collection method: clinical testing. Allele origin: germline.

Department of Pathology and Laboratory Medicine, Sinai Health System
Classification: Likely benign for Frontotemporal dementia and/or amyotrophic lateral sclerosis 4; Encephalopathy, acute, infection-induced (herpes-specific), susceptibility to, 8; Autoinflammation with arthritis and vasculitis. Last evaluated: 2021-07-30. Review status: criteria provided, single submitter. Criteria: ACMG Guidelines, 2015. Collection method: research. Allele origin: germline.

GeneDx
Classification: Benign. Last evaluated: 2019-02-28. Review status: criteria provided, single submitter. Criteria: GeneDx Variant Classification Process June 2021. Collection method: clinical testing. Allele origin: germline. Affected: yes.

PreventionGenetics, part of Exact Sciences
Classification: Likely benign for TBK1-related condition. Last evaluated: 2020-06-05. Review status: no assertion criteria provided. Collection method: clinical testing. Allele origin: germline. Not counted in ClinVar's aggregate classification.
Comment: This variant is classified as likely benign based on ACMG/AMP sequence variant interpretation guidelines (Richards et al. 2015 PMID: 25741868, with internal and published modifications).

NM_013254.4(TBK1):c.1954_1956del (p.Asn652del)

Gene: TBK1 (TANK binding kinase 1; plus strand). Cytogenetic location: 12q14.2.
Variant type: Deletion.
Coding change: c.1954_1956del on transcript NM_013254.4 (MANE Select); coding-DNA positions 1954 to 1956, 3 bases deleted (AAT; older notation c.1954_1956delAAT).
Protein change: p.Asn652del; deletes asparagine 652.
Molecular consequence: inframe deletion.
Genome position (GRCh38, 1-based): chr12:64,497,254-64,497,256, AAT deleted; deleting any 3 consecutive bases within chr12:64,497,253-64,497,256 gives the same sequence; the c. name uses the placement nearest the transcript's 3' end. VCF-style (leftmost placement, unchanged base first): chr12-64497252-CTAA-C. GRCh37 (hg19) VCF-style: chr12-64891032-CTAA-C.
Other names: c.1954_1956delAAT (NM_013254.3); short protein forms N652del.
Identifiers: ClinVar variation 702184 (VCV000702184.16), dbSNP rs141727722, ClinGen allele CA6669198.